The following is an entry in ClinVar:

ClinVar aggregate classification (germline): Uncertain significance (1 of 4 stars; one submission).

gnomAD v4.1: 4 of 1,207,312 alleles (0.00033%); highest among the groups gnomAD compares: Non-Finnish European, 0.00045%; no homozygotes.

Submission:

Labcorp Genetics (formerly Invitae), Labcorp
Classification: Uncertain significance. Last evaluated: 2025-08-06. Review status: criteria provided, single submitter. Criteria: Invitae Variant Classification Sherloc (09022015). Collection method: clinical testing. Allele origin: germline.
Comment: This sequence change replaces glycine, which is neutral and non-polar, with glutamic acid, which is acidic and polar, at codon 334 of the POLA1 protein (p.Gly334Glu). This variant is not present in population databases (gnomAD no frequency). This variant has not been reported in the literature in individuals affected with POLA1-related conditions. Invitae Evidence Modeling of protein sequence and biophysical properties (such as structural, functional, and spatial information, amino acid conservation, physicochemical variation, residue mobility, and thermodynamic stability) indicates that this missense variant is not expected to disrupt POLA1 protein function with a negative predictive value of 80%. In summary, the available evidence is currently insufficient to determine the role of this variant in disease. Therefore, it has been classified as a Variant of Uncertain Significance.

NM_001330360.2(POLA1):c.1019G>A (p.Gly340Glu)

Gene: POLA1 (DNA polymerase alpha 1, catalytic subunit; plus strand). Cytogenetic location: Xp22.11.
Variant type: single nucleotide variant.
Coding change: c.1019G>A on transcript NM_001330360.2 (MANE Select); coding-DNA position 1019, G replaced by A.
Protein change: p.Gly340Glu; replaces glycine 340 with glutamic acid.
Molecular consequence: missense variant. On other transcripts: non-coding transcript variant (2).
Genome position (GRCh38, 1-based): chrX:24,717,690, G>A. VCF-style: chrX-24717690-G-A. GRCh37 (hg19) VCF-style: chrX-24735807-G-A.
Other names: c.1019G>A, p.Gly340Glu (NM_001378303.1, NM_001440806.1); c.1001G>A, p.Gly334Glu (NM_016937.4); short protein forms G334E, G340E.
Identifiers: ClinVar variation 4693168 (VCV004693168.1).